The following is an entry in ClinVar:

NM_001384732.1(CPLANE1):c.2377C>T (p.Gln793Ter)

Gene: CPLANE1 (ciliogenesis and planar polarity effector complex subunit 1; minus strand). Cytogenetic location: 5p13.2.
Variant type: single nucleotide variant.
Coding change: c.2377C>T on transcript NM_001384732.1 (MANE Select); coding-DNA position 2377, C replaced by T.
Protein change: p.Gln793Ter; replaces glutamine 793 with a stop codon.
Molecular consequence: nonsense.
Genome position (GRCh38, 1-based): chr5:37,224,655, G>A on the plus strand (C>T on the coding strand, the complement: CPLANE1 is on the minus strand). VCF-style: chr5-37224655-G-A. GRCh37 (hg19) VCF-style: chr5-37224757-G-A.
Other names: c.2377C>T, p.Gln793Ter (NM_023073.4); short protein forms Q793*.
Identifiers: ClinVar variation 217583 (VCV000217583.6), dbSNP rs776886962, ClinGen allele CA277686.

ClinVar aggregate classification (germline): Pathogenic/Likely pathogenic. Review status: criteria provided, multiple submitters, no conflicts (2 of 4 stars). 4 submissions from 4 submitters: Pathogenic (3); Likely pathogenic (1). Last evaluated 2024-09-13.

Conditions:
C5ORF42 & CPLANE1-related disorders.
Orofaciodigital syndrome type 6 (OFD6). Also called: Central polydactyly cleft lip/palate or lingual lump and psychomotor retardation; Y-shaped central metacarpal and cerebellar defect; Joubert syndrome with orofacialdigital anomalies; OROFACIODIGITAL SYNDROME VI; OFDS VI; POLYDACTYLY, CLEFT LIP/PALATE OR LINGUAL LUMP, AND PSYCHOMOTOR RETARDATION. Identifiers: Orphanet 2754, MedGen C2745997, MONDO:0010176, OMIM 277170.
Joubert syndrome 17 (JBTS17). Identifiers: Orphanet 475, MedGen C3553264, MONDO:0013824, OMIM 614615.

Allele frequency attached by ClinVar (database versions not stated): TOPMed 0.00004; gnomAD 0.00006; ExAC 0.00009; gnomAD exomes 0.00001.
gnomAD v4.1: 21 of 1,551,240 alleles (0.0014%); highest among the groups gnomAD compares: Non-Finnish European, 0.0018%; no homozygotes.

Submissions (4):

Blueprint Genetics
Classification: Likely pathogenic for C5ORF42 & CPLANE1-related disorders. Last evaluated: 2024-09-13. Review status: criteria provided, single submitter. Criteria: ACMG Guidelines, 2015. Collection method: clinical testing. Allele origin: germline. Affected: yes. Observed: 4 variant alleles.

Labcorp Genetics (formerly Invitae), Labcorp
Classification: Pathogenic. Last evaluated: 2023-12-13. Review status: criteria provided, single submitter. Criteria: Invitae Variant Classification Sherloc (09022015). Collection method: clinical testing. Allele origin: germline.
Comment: This sequence change creates a premature translational stop signal (p.Gln793*) in the CPLANE1 gene. It is expected to result in an absent or disrupted protein product. Loss-of-function variants in CPLANE1 are known to be pathogenic (PMID: 24178751, 26092869). This variant is present in population databases (rs776886962, gnomAD 0.005%). This premature translational stop signal has been observed in individual(s) with orofaciodigital syndrome (PMID: 24178751). ClinVar contains an entry for this variant (Variation ID: 217583). Algorithms developed to predict the effect of sequence changes on RNA splicing suggest that this variant may disrupt the consensus splice site. For these reasons, this variant has been classified as Pathogenic.

Fulgent Genetics
Classification: Pathogenic for Orofaciodigital syndrome type 6; Joubert syndrome 17. Last evaluated: 2022-04-21. Review status: criteria provided, single submitter. Criteria: ACMG Guidelines, 2015. Collection method: clinical testing. Allele origin: unknown.

UW Hindbrain Malformation Research Program, University of Washington
Classification: Pathogenic for Joubert syndrome 17. Last evaluated: 2015-02-23. Review status: criteria provided, single submitter. Criteria: Bachmann-Gagescu et al. (J Med Genet. 2015). Collection method: research. Allele origin: unknown. Affected: yes.

Literature cited by the submitters: PubMed 24178751 (cited by Labcorp Genetics (formerly Invitae), Labcorp); PubMed 26092869 (cited by Labcorp Genetics (formerly Invitae), Labcorp).